The following is an entry in ClinVar:

ClinVar aggregate classification (germline): Uncertain significance. Review status: criteria provided, multiple submitters, no conflicts (2 of 4 stars). 2 submissions from 2 submitters: Uncertain significance (2). Last evaluated 2026-04-07.

Conditions:
Autosomal recessive severe congenital neutropenia due to CSF3R deficiency. Also called: Neutropenia, severe congenital, 7, autosomal recessive. Identifiers: Orphanet 420702, MedGen C4310764, MONDO:0014865, OMIM 617014.

Allele frequency attached by ClinVar (database versions not stated): gnomAD 0.00003; TOPMed 0.00006; ESP Exome Variant Server 0.00008; gnomAD exomes 0.00008 and 0.00015; ExAC 0.00013.
gnomAD v4.1: 55 of 1,614,042 alleles (0.0034%); highest among the groups gnomAD compares: Admixed American, 0.073%; no homozygotes.

Submissions (2):

Women's Health and Genetics/Laboratory Corporation of America, LabCorp
Classification: Uncertain significance. Last evaluated: 2026-04-07. Review status: criteria provided, single submitter. Criteria: LabCorp Variant Classification Summary - May 2015. Collection method: clinical testing. Allele origin: germline.

Labcorp Genetics (formerly Invitae), Labcorp
Classification: Uncertain significance for Autosomal recessive severe congenital neutropenia due to CSF3R deficiency. Last evaluated: 2025-12-29. Review status: criteria provided, single submitter. Criteria: Invitae Variant Classification Sherloc (09022015). Collection method: clinical testing. Allele origin: germline.
Comment: This sequence change replaces arginine, which is basic and polar, with histidine, which is basic and polar, at codon 308 of the CSF3R protein (p.Arg308His). This variant is present in population databases (rs148747030, gnomAD 0.1%). This variant has not been reported in the literature in individuals affected with CSF3R-related conditions. ClinVar contains an entry for this variant (Variation ID: 1018997). Invitae Evidence Modeling of protein sequence and biophysical properties (such as structural, functional, and spatial information, amino acid conservation, physicochemical variation, residue mobility, and thermodynamic stability) indicates that this missense variant is expected to disrupt CSF3R protein function with a positive predictive value of 80%. This variant disrupts the p.Arg308 amino acid residue in CSF3R. Other variant(s) that disrupt this residue have been determined to be pathogenic (PMID: 24753537, 31321910). This suggests that this residue is clinically significant, and that variants that disrupt this residue are likely to be disease-causing. In summary, the available evidence is currently insufficient to determine the role of this variant in disease. Therefore, it has been classified as a Variant of Uncertain Significance.

Literature cited by the submitters: PubMed 24753537 (cited by Labcorp Genetics (formerly Invitae), Labcorp); PubMed 31321910 (cited by Labcorp Genetics (formerly Invitae), Labcorp).

NM_000760.4(CSF3R):c.923G>A (p.Arg308His)

Gene: CSF3R (colony stimulating factor 3 receptor; minus strand). Cytogenetic location: 1p34.3.
Variant type: single nucleotide variant.
Coding change: c.923G>A on transcript NM_000760.4 (MANE Select); coding-DNA position 923, G replaced by A.
Protein change: p.Arg308His; replaces arginine 308 with histidine.
Molecular consequence: missense variant.
Genome position (GRCh38, 1-based): chr1:36,472,312, C>T on the plus strand (G>A on the coding strand, the complement: CSF3R is on the minus strand). VCF-style: chr1-36472312-C-T. GRCh37 (hg19) VCF-style: chr1-36937913-C-T.
Other names: c.923G>A, p.Arg308His (NM_156039.3, NM_172313.3); short protein forms R308H.
Identifiers: ClinVar variation 1018997 (VCV001018997.7), dbSNP rs148747030, ClinGen allele CA769344.
Genomic context (GRCh38, chr1:36,472,312, plus strand): 5'-CTCAGCTCCAGGCTGGGGCTCCAGTCGCTCCAGTGGCCAGGCAGGGGCCAGCGGATGCAG[C>T]GTATCTGCAGGGTGTAGGCCGTGGCTGGGAGGAGCCCGCAGAGCTCATACTGAAGGGCCT-3'
Protein context (NP_000751.1, residues 298-318): LPATAYTLQI[Arg308His]CIRWPLPGHW